The following is an entry in ClinVar:

ClinVar aggregate classification (germline): Likely pathogenic (1 of 4 stars; one submission).

Conditions:
Primary ciliary dyskinesia. Also called: Ciliary dyskinesia. Identifiers: Orphanet 244, MedGen C0008780, MONDO:0016575, HP:0012265.

Submission:

Natera, Inc.
Classification: Likely pathogenic for Primary ciliary dyskinesia. Last evaluated: 2025-12-18. Review status: criteria provided, single submitter. Criteria: Natera Variant Classification Schema (03/2026). Collection method: clinical testing. Allele origin: germline.
Comment: The c.13837del variant in DNAH5 is a frameshift variant predicted to elongate the protein beyond the termination codon. This variant may result in a truncated or dysfunctional protein product. This variant is rare in the general population with a frequency below the threshold expected for the associated phenotype(s). This variant has been observed in one or more individuals affected with the associated recessive disease, as either homozygous or compound heterozygous with a second variant (PMID: 28939216). Additionally, this variant has been observed to segregate in affected family members (PMID: 28939216). Given the available evidence, this variant is classified as Likely Pathogenic.

Literature cited by the submitters: PubMed 28939216.

NM_001369.3(DNAH5):c.13837del (p.Val4613fs)

Gene: DNAH5 (dynein axonemal heavy chain 5; minus strand). Cytogenetic location: 5p15.2.
Variant type: Deletion.
Coding change: c.13837del on transcript NM_001369.3 (MANE Select); coding-DNA position 13837, one base deleted (G; older notation c.13837delG).
Protein change: p.Val4613fs; shifts the reading frame from valine 4613.
Molecular consequence: frameshift variant.
Genome position (GRCh38, 1-based): chr5:13,692,022, C deleted on the plus strand (G on the coding strand, the reverse complement: DNAH5 is on the minus strand); the first of 3 consecutive C bases (chr5:13,692,022-13,692,024); deleting any one gives the same sequence. VCF-style (leftmost placement, unchanged base first): chr5-13692021-AC-A. GRCh37 (hg19) VCF-style: chr5-13692130-AC-A.
Other names: short protein forms V4613fs.
Identifiers: ClinVar variation 4814868 (VCV004814868.1).
Genomic context (GRCh38, chr5:13,692,021, plus strand): 5'-TGGGTGGGGACACTCCCCACATGTTACTTGACATCACACAGAAGGGCAACCCCACGGAGC[AC>A]CCAGTGTTCAGGGGTCTGGGCTGTCCTGAGATCCACAGCGGCAATGTAGTTCAAGTCCGT-3'